The following is an entry in ClinVar:

NM_000051.4(ATM):c.4358T>G (p.Ile1453Arg)

Gene: ATM (ATM serine/threonine kinase; plus strand). Cytogenetic location: 11q22.3.
Variant type: single nucleotide variant.
Coding change: c.4358T>G on transcript NM_000051.4 (MANE Select); coding-DNA position 4358, T replaced by G.
Protein change: p.Ile1453Arg; replaces isoleucine 1453 with arginine.
Molecular consequence: missense variant.
Genome position (GRCh38, 1-based): chr11:108,289,723, T>G. VCF-style: chr11-108289723-T-G. GRCh37 (hg19) VCF-style: chr11-108160450-T-G.
Other names: c.4358T>G, p.Ile1453Arg (NM_001351834.2); short protein forms I1453R.
Identifiers: ClinVar variation 141941 (VCV000141941.26), dbSNP rs587782126, ClinGen allele CA166850.

ClinVar aggregate classification (germline): Uncertain significance. Review status: criteria provided, multiple submitters, no conflicts (2 of 4 stars). 7 submissions from 7 submitters: Uncertain significance (5). 2 of the submissions do not count toward it. Last evaluated 2026-01-27.

Conditions:
Hereditary cancer-predisposing syndrome. Also called: Neoplastic Syndromes, Hereditary; Hereditary Cancer Syndrome; Hereditary neoplastic syndrome; Tumor predisposition. Identifiers: Orphanet 140162, MedGen C0027672, MeSH D009386, MONDO:0015356.
Ataxia-telangiectasia syndrome (AT). Also called: Cerebello-oculocutaneous telangiectasia; Immunodeficiency with ataxia telangiectasia; Ataxia-telangiectasia, complementation group D; AT, COMPLEMENTATION GROUP C; ATAXIA-TELANGIECTASIA, FRESNO VARIANT; ATAXIA-TELANGIECTASIA, COMPLEMENTATION GROUP A. Identifiers: Orphanet 100, MedGen C0004135, MONDO:0008840, OMIM 208900.
Familial cancer of breast. Also called: Hereditary breast cancer; hereditary breast carcinoma; BREAST CANCER, FAMILIAL. Identifiers: Orphanet 227535, MedGen C0346153, MONDO:0016419, OMIM 114480. Disease mechanism: loss of function.

Allele frequency attached by ClinVar (database versions not stated): gnomAD 0.00001; gnomAD exomes 0.00001; ExAC 0.00002; TOPMed 0.00003.
gnomAD v4.1: 4 of 1,613,680 alleles (0.00025%); highest among the groups gnomAD compares: East Asian, 0.0067%; no homozygotes.

Submissions (7):

Labcorp Genetics (formerly Invitae), Labcorp
Classification: Uncertain significance for Ataxia-telangiectasia syndrome. Last evaluated: 2026-01-27. Review status: criteria provided, single submitter. Criteria: Invitae Variant Classification Sherloc (09022015). Collection method: clinical testing. Allele origin: germline.
Comment: This sequence change replaces isoleucine, which is neutral and non-polar, with arginine, which is basic and polar, at codon 1453 of the ATM protein (p.Ile1453Arg). This variant is present in population databases (rs587782126, gnomAD 0.01%). This variant has not been reported in the literature in individuals affected with ATM-related conditions. ClinVar contains an entry for this variant (Variation ID: 141941). Invitae Evidence Modeling of protein sequence and biophysical properties (such as structural, functional, and spatial information, amino acid conservation, physicochemical variation, residue mobility, and thermodynamic stability) indicates that this missense variant is not expected to disrupt ATM protein function with a negative predictive value of 95%. In summary, the available evidence is currently insufficient to determine the role of this variant in disease. Therefore, it has been classified as a Variant of Uncertain Significance.

Color Diagnostics, LLC DBA Color Health
Classification: Uncertain significance for Hereditary cancer-predisposing syndrome. Last evaluated: 2025-03-24. Review status: criteria provided, single submitter. Criteria: ACMG Guidelines, 2015. Collection method: clinical testing. Allele origin: germline.
Comment: This missense variant replaces isoleucine with arginine at codon 1453 of the ATM protein. Computational prediction is inconclusive regarding the impact of this variant on protein structure and function. To our knowledge, functional studies have not been reported for this variant. In an international breast cancer case-control meta-analysis, this variant was detected in 3/60466 cases and absent in 53461 unaffected controls (PMID: 33471991). This variant has been identified in 3/282568 chromosomes in the general population by the Genome Aggregation Database (gnomAD). The available evidence is insufficient to determine the role of this variant in disease conclusively. Therefore, this variant is classified as a Variant of Uncertain Significance.

Ambry Genetics
Classification: Uncertain significance for Hereditary cancer-predisposing syndrome. Last evaluated: 2024-04-23. Review status: criteria provided, single submitter. Criteria: Ambry Variant Classification Scheme 2023. Collection method: clinical testing. Allele origin: germline.
Comment: The p.I1453R variant (also known as c.4358T>G), located in coding exon 28 of the ATM gene, results from a T to G substitution at nucleotide position 4358. The isoleucine at codon 1453 is replaced by arginine, an amino acid with similar properties. This variant was reported in 3/60,466 breast cancer cases and in 0/53,461 controls (Dorling et al. N Engl J Med, 2021 02;384:428-439). This amino acid position is well conserved in available vertebrate species. In addition, the in silico prediction for this alteration is inconclusive. Based on the available evidence, the clinical significance of this variant remains unclear.

Department of Pathology and Laboratory Medicine, Sinai Health System
Classification: Uncertain significance for Familial cancer of breast. Last evaluated: 2024-01-08. Review status: criteria provided, single submitter. Criteria: ACMG Guidelines, 2015. Collection method: clinical testing. Allele origin: germline. Affected: yes.

Baylor Genetics
Classification: Uncertain significance for Familial cancer of breast. Last evaluated: 2022-11-26. Review status: criteria provided, single submitter. Criteria: ACMG Guidelines, 2015. Collection method: clinical testing. Allele origin: unknown.

Natera, Inc.
Classification: Uncertain significance for Ataxia-telangiectasia. Last evaluated: 2020-02-25. Review status: no assertion criteria provided. Collection method: clinical testing. Allele origin: germline. Not counted in ClinVar's aggregate classification.

Counsyl
Classification: Uncertain significance for Ataxia-telangiectasia syndrome. Last evaluated: 2017-08-01. Review status: no assertion criteria provided. Collection method: clinical testing. Allele origin: unknown. Not counted in ClinVar's aggregate classification.

Literature cited by the submitters: PubMed 33471991 (cited by 3 submitters).